The following is an entry in ClinVar:

NM_173079.5(RUNDC1):c.51T>C (p.Val17=)

Gene: RUNDC1 (RUN domain containing 1; plus strand). Cytogenetic location: 17q21.31.
Variant type: single nucleotide variant.
Coding change: c.51T>C on transcript NM_173079.5 (MANE Select); coding-DNA position 51, T replaced by C.
Protein change: p.Val17=; no amino-acid change (valine 17 retained).
Molecular consequence: synonymous variant.
Genome position (GRCh38, 1-based): chr17:42,980,627, T>C. VCF-style: chr17-42980627-T-C. GRCh37 (hg19) VCF-style: chr17-41132644-T-C.
Other names: c.51T>C, p.Val17= (NM_001321381.3, NM_001394222.1).
Identifiers: ClinVar variation 2647808 (VCV002647808.24), dbSNP rs374885370, ClinGen allele CA8588532.

ClinVar aggregate classification (germline): Likely benign (1 of 4 stars; one submission).

Allele frequency attached by ClinVar (database versions not stated): 1000 Genomes Project 30x 0.00016; 1000 Genomes Project 0.00020; ESP Exome Variant Server 0.00032; ExAC 0.00035; TOPMed 0.00045; gnomAD 0.00052; gnomAD exomes 0.00083.
gnomAD v4.1: 1,269 of 1,607,784 alleles (0.079%); highest among the groups gnomAD compares: Non-Finnish European, 0.1%; 2 homozygotes.

Submission:

CeGaT Center for Human Genetics Tuebingen
Classification: Likely benign. Last evaluated: 2022-03-01. Review status: criteria provided, single submitter. Criteria: CeGaT Center For Human Genetics Tuebingen Variant Classification Criteria Version 2. Collection method: clinical testing. Allele origin: germline. Affected: yes. Observed: 1 variant allele.
Comment: RUNDC1: BP4, BP7